The following is an entry in ClinVar:

NM_020987.5(ANK3):c.7570G>A (p.Glu2524Lys)

Gene: ANK3 (ankyrin 3; minus strand). Cytogenetic location: 10q21.2.
Variant type: single nucleotide variant.
Coding change: c.7570G>A on transcript NM_020987.5 (MANE Select); coding-DNA position 7570, G replaced by A.
Protein change: p.Glu2524Lys; replaces glutamic acid 2524 with lysine.
Molecular consequence: missense variant. On other transcripts: intron variant (4).
Genome position (GRCh38, 1-based): chr10:60,073,311, C>T on the plus strand (G>A on the coding strand, the complement: ANK3 is on the minus strand). VCF-style: chr10-60073311-C-T. GRCh37 (hg19) VCF-style: chr10-61833069-C-T.
Other names: c.4388-5302G>A (NM_001204403.2); c.4409-5302G>A (NM_001204404.2); c.4406-5302G>A (NM_001320874.2); c.1808-5302G>A (NM_001149.4); short protein forms E2524K.
Identifiers: ClinVar variation 5007984 (VCV005007984.1).

ClinVar aggregate classification (germline): Uncertain significance (1 of 4 stars; one submission).

gnomAD v4.1: 1 of 1,614,018 alleles (0.000062%); highest among the groups gnomAD compares: Admixed American, 0.0017%; no homozygotes.

Submission:

GeneDx
Classification: Uncertain significance. Last evaluated: 2026-03-02. Review status: criteria provided, single submitter. Criteria: GeneDx Variant Classification Process June 2021. Collection method: clinical testing. Allele origin: germline.
Comment: In silico analysis suggests that this missense variant does not alter protein structure/function; Has not been previously published as pathogenic or benign to our knowledge